The following is an entry in ClinVar:

ClinVar aggregate classification (germline): Uncertain significance (1 of 4 stars; one submission).

Conditions:
Autosomal dominant hypocalcemia 1 (HYPOC1). Also called: HYPOCALCEMIA, FAMILIAL. Identifiers: MedGen C3715128, MONDO:0011013, OMIM 601198.
Familial hypocalciuric hypercalcemia (FHH). Also called: Familial benign hypercalcemia. Identifiers: Orphanet 405, MedGen C1809471, MONDO:0018458.

Submission:

Labcorp Genetics (formerly Invitae), Labcorp
Classification: Uncertain significance for Familial hypocalciuric hypercalcemia; Autosomal dominant hypocalcemia 1. Last evaluated: 2023-08-02. Review status: criteria provided, single submitter. Criteria: Invitae Variant Classification Sherloc (09022015). Collection method: clinical testing. Allele origin: germline.
Comment: This sequence change replaces serine, which is neutral and polar, with alanine, which is neutral and non-polar, at codon 794 of the CASR protein (p.Ser794Ala). This variant is not present in population databases (gnomAD no frequency). This variant has not been reported in the literature in individuals affected with CASR-related conditions. An algorithm developed to predict the effect of missense changes on protein structure and function (PolyPhen-2) suggests that this variant is likely to be tolerated. In summary, the available evidence is currently insufficient to determine the role of this variant in disease. Therefore, it has been classified as a Variant of Uncertain Significance.

NM_000388.4(CASR):c.2380T>G (p.Ser794Ala)

Gene: CASR (calcium sensing receptor; plus strand). Cytogenetic location: 3q21.1.
Variant type: single nucleotide variant.
Coding change: c.2380T>G on transcript NM_000388.4 (MANE Select); coding-DNA position 2380, T replaced by G.
Protein change: p.Ser794Ala; replaces serine 794 with alanine.
Molecular consequence: missense variant.
Genome position (GRCh38, 1-based): chr3:122,284,334, T>G. VCF-style: chr3-122284334-T-G. GRCh37 (hg19) VCF-style: chr3-122003181-T-G.
Other names: c.2410T>G, p.Ser804Ala (NM_001178065.2); short protein forms S794A, S804A.
Identifiers: ClinVar variation 2950614 (VCV002950614.3), dbSNP rs2473279813, ClinGen allele CA354159674.
Genomic context (GRCh38, chr3:122,284,334, plus strand): 5'-GGCTTCCTGATCGGCTACACCTGCCTGCTGGCTGCCATCTGCTTCTTCTTTGCCTTCAAG[T>G]CCCGGAAGCTGCCGGAGAACTTCAATGAAGCCAAGTTCATCACCTTCAGCATGCTCATCT-3'
Protein context (NP_000379.3, residues 784-804): AAICFFFAFK[Ser794Ala]RKLPENFNEA